The following is an entry in ClinVar:

ClinVar aggregate classification (germline): Uncertain significance (1 of 4 stars; one submission).

Allele frequency attached by ClinVar (database versions not stated): gnomAD exomes below 0.00001; ExAC 0.00002.
gnomAD v4.1: 3 of 1,605,880 alleles (0.00019%); highest among the groups gnomAD compares: Non-Finnish European, 0.00025%; no homozygotes.

Submission:

Labcorp Genetics (formerly Invitae), Labcorp
Classification: Uncertain significance. Last evaluated: 2021-12-08. Review status: criteria provided, single submitter. Criteria: Invitae Variant Classification Sherloc (09022015). Collection method: clinical testing. Allele origin: germline.
Comment: This variant is not present in population databases (gnomAD no frequency). This sequence change replaces proline, which is neutral and non-polar, with leucine, which is neutral and non-polar, at codon 548 of the PRDM13 protein (p.Pro548Leu). This variant has not been reported in the literature in individuals affected with PRDM13-related conditions. Algorithms developed to predict the effect of missense changes on protein structure and function are either unavailable or do not agree on the potential impact of this missense change (SIFT: "Deleterious"; PolyPhen-2: "Benign"; Align-GVGD: "Class C0"). In summary, the available evidence is currently insufficient to determine the role of this variant in disease. Therefore, it has been classified as a Variant of Uncertain Significance.

NM_021620.4(PRDM13):c.1643C>T (p.Pro548Leu)

Gene: PRDM13 (PR/SET domain 13; plus strand). Cytogenetic location: 6q16.2.
Variant type: single nucleotide variant.
Coding change: c.1643C>T on transcript NM_021620.4 (MANE Select); coding-DNA position 1643, C replaced by T.
Protein change: p.Pro548Leu; replaces proline 548 with leucine.
Molecular consequence: missense variant.
Genome position (GRCh38, 1-based): chr6:99,614,278, C>T. VCF-style: chr6-99614278-C-T. GRCh37 (hg19) VCF-style: chr6-100062154-C-T.
Other names: short protein forms P548L.
Identifiers: ClinVar variation 2037338 (VCV002037338.4), dbSNP rs762785578, ClinGen allele CA3936425.
Genomic context (GRCh38, chr6:99,614,278, plus strand): 5'-AGCTGTCCGAGATGGCTGCCGGGAAGGGTCGCGGACGCCTGGACTCGGGGACGTTGCCAC[C>T]GGCCGTCGCGGCGGCGGGAGGCACCGGGGGCGGCGGCAGCGGAGGCAGCGGCGCAGGTAA-3'
Protein context (NP_067633.2, residues 538-558): RGRLDSGTLP[Pro548Leu]AVAAAGGTGG